The following is an entry in ClinVar:

NM_021830.5(TWNK):c.592C>G (p.Leu198Val)

Gene: TWNK (twinkle mtDNA helicase; plus strand). Cytogenetic location: 10q24.31.
Variant type: single nucleotide variant.
Coding change: c.592C>G on transcript NM_021830.5 (MANE Select); coding-DNA position 592, C replaced by G.
Protein change: p.Leu198Val; replaces leucine 198 with valine.
Molecular consequence: missense variant. On other transcripts: non-coding transcript variant (4), intron variant (3).
Genome position (GRCh38, 1-based): chr10:100,988,802, C>G. VCF-style: chr10-100988802-C-G. GRCh37 (hg19) VCF-style: chr10-102748559-C-G.
Other names: c.592C>G (NM_021830.4); c.592C>G, p.Leu198Val (NM_001163812.2); c.-119-842C>G (NM_001163814.2, NM_001163813.2); c.-57-904C>G (NM_001368275.1); short protein forms L198V.
Identifiers: ClinVar variation 1947200 (VCV001947200.7), dbSNP rs1851665193, ClinGen allele CA378207759.

ClinVar aggregate classification (germline): Uncertain significance. Review status: criteria provided, multiple submitters, no conflicts (2 of 4 stars). 3 submissions from 3 submitters: Uncertain significance (3). Last evaluated 2025-12-16.

Conditions:
Inborn genetic diseases. Identifiers: MedGen C0950123, MeSH D030342.

Allele frequency attached by ClinVar (database versions not stated): gnomAD 0.00001; gnomAD exomes 0.00001; TOPMed 0.00001.
gnomAD v4.1: 9 of 1,614,110 alleles (0.00056%); highest among the groups gnomAD compares: Admixed American, 0.0017%; no homozygotes.

Submissions (3):

Ambry Genetics
Classification: Uncertain significance for Inborn genetic diseases. Last evaluated: 2025-12-16. Review status: criteria provided, single submitter. Criteria: Ambry Variant Classification Scheme 2023. Collection method: clinical testing. Allele origin: germline.

GeneDx
Classification: Uncertain significance. Last evaluated: 2024-06-18. Review status: criteria provided, single submitter. Criteria: GeneDx Variant Classification Process June 2021. Collection method: clinical testing. Allele origin: germline. Affected: yes.
Comment: Not observed in large population cohorts (gnomAD); In silico analysis supports that this missense variant does not alter protein structure/function; Has not been previously published as pathogenic or benign to our knowledge

Labcorp Genetics (formerly Invitae), Labcorp
Classification: Uncertain significance. Last evaluated: 2023-09-10. Review status: criteria provided, single submitter. Criteria: Invitae Variant Classification Sherloc (09022015). Collection method: clinical testing. Allele origin: germline.
Comment: In summary, the available evidence is currently insufficient to determine the role of this variant in disease. Therefore, it has been classified as a Variant of Uncertain Significance. Advanced modeling of protein sequence and biophysical properties (such as structural, functional, and spatial information, amino acid conservation, physicochemical variation, residue mobility, and thermodynamic stability) has been performed at Invitae for this missense variant, however the output from this modeling did not meet the statistical confidence thresholds required to predict the impact of this variant on TWNK protein function. ClinVar contains an entry for this variant (Variation ID: 1947200). This variant has not been reported in the literature in individuals affected with TWNK-related conditions. This variant is not present in population databases (gnomAD no frequency). This sequence change replaces leucine, which is neutral and non-polar, with valine, which is neutral and non-polar, at codon 198 of the TWNK protein (p.Leu198Val).